The following is an entry in ClinVar:

ClinVar aggregate classification (germline): Benign/Likely benign. Review status: criteria provided, multiple submitters, no conflicts (2 of 4 stars). 9 submissions from 9 submitters: Benign (5); Likely benign (3). 1 of the submissions does not count toward it. Last evaluated 2026-01-31.

Conditions:
Bardet-Biedl syndrome (BBS). Identifiers: Orphanet 110, MedGen C0752166, MONDO:0015229.
Bardet-Biedl syndrome 1 (BBS1). Identifiers: MedGen C2936862, MONDO:0008854, OMIM 209900. Disease mechanism: loss of function.
Bardet-Biedl syndrome 7 (BBS7). Identifiers: Orphanet 110, MedGen C1859565, MONDO:0014435, OMIM 615984.

Allele frequency attached by ClinVar (database versions not stated): gnomAD exomes 0.00059 and 0.00143; ExAC 0.00192; gnomAD 0.00545; TOPMed 0.00652; ESP Exome Variant Server 0.00669; 1000 Genomes Project 0.00839; 1000 Genomes Project 30x 0.01031.
gnomAD v4.1: 1,738 of 1,613,648 alleles (0.11%); highest among the groups gnomAD compares: African/African-American, 2.1%; 22 homozygotes.

Submissions (9):

Labcorp Genetics (formerly Invitae), Labcorp
Classification: Benign for Bardet-Biedl syndrome. Last evaluated: 2026-01-31. Review status: criteria provided, single submitter. Criteria: Invitae Variant Classification Sherloc (09022015). Collection method: clinical testing. Allele origin: germline.

Fulgent Genetics
Classification: Likely benign for Bardet-Biedl syndrome 7. Last evaluated: 2022-05-12. Review status: criteria provided, single submitter. Criteria: ACMG Guidelines, 2015. Collection method: clinical testing. Allele origin: unknown.

Genetic Services Laboratory, University of Chicago
Classification: Benign. Last evaluated: 2021-12-02. Review status: criteria provided, single submitter. Criteria: ACMG Guidelines, 2015. Collection method: clinical testing. Allele origin: germline. Affected: no.

Illumina Laboratory Services, Illumina
Classification: Benign for Bardet-Biedl syndrome 7. Last evaluated: 2018-01-12. Review status: criteria provided, single submitter. Criteria: ICSL Variant Classification Criteria 13 December 2019. Collection method: clinical testing. Allele origin: germline.
Comment: This variant was observed in the ICSL laboratory as part of a predisposition screen in an ostensibly healthy population. It had not been previously curated by ICSL or reported in the Human Gene Mutation Database (HGMD: prior to June 1st, 2018), and was therefore a candidate for classification through an automated scoring system. Utilizing variant allele frequency, disease prevalence and penetrance estimates, and inheritance mode, an automated score was calculated to assess if this variant is too frequent to cause the disease. Based on the score and internal cut-off values, a variant classified as benign is not then subjected to further curation. The score for this variant resulted in a classification of benign for this disease.

Clinical Genetics DNA and cytogenetics Diagnostics Lab, Erasmus MC, Erasmus Medical Center
Classification: Likely benign for Bardet-Biedl syndrome 1. Last evaluated: 2015-08-27. Review status: criteria provided, single submitter. Criteria: ACGS Guidelines, 2013. Collection method: clinical testing. Allele origin: germline. Affected: yes. Study: VKGL Data-share Consensus.

Genome Diagnostics Laboratory, University Medical Center Utrecht
Classification: Benign for Bardet-Biedl syndrome 1. Last evaluated: 2014-12-16. Review status: criteria provided, single submitter. Criteria: ACGS Guidelines, 2013. Collection method: clinical testing. Allele origin: germline. Affected: yes. Study: VKGL Data-share Consensus.

Eurofins Ntd Llc (ga)
Classification: Benign. Last evaluated: 2014-04-29. Review status: criteria provided, single submitter. Criteria: EGL Classification Definitions 2015. Collection method: clinical testing. Allele origin: germline. Observed: 1 variant allele, 1 heterozygote.

Breakthrough Genomics
Classification: Likely benign. Review status: criteria provided, single submitter. Criteria: ACMG Guidelines, 2015. Collection method: not provided. Allele origin: germline. Inheritance: Autosomal recessive inheritance. Affected: yes.

Genome Diagnostics Laboratory, Amsterdam University Medical Center
Classification: Benign for Bardet-Biedl syndrome 1. Last evaluated: 2017-04-19. Review status: no assertion criteria provided. Criteria: ACGS Guidelines, 2013. Collection method: clinical testing. Allele origin: germline. Affected: yes. Study: VKGL Data-share Consensus. Not counted in ClinVar's aggregate classification.

NM_176824.3(BBS7):c.1512-7A>T

Gene: BBS7 (Bardet-Biedl syndrome 7; minus strand). Cytogenetic location: 4q27.
Variant type: single nucleotide variant.
Coding change: c.1512-7A>T on transcript NM_176824.3 (MANE Select); 7 bases into the intron before coding-DNA position 1512, A replaced by T.
Molecular consequence: intron variant.
Genome position (GRCh38, 1-based): chr4:121,833,402, T>A on the plus strand (A>T on the coding strand, the complement: BBS7 is on the minus strand). VCF-style: chr4-121833402-T-A. GRCh37 (hg19) VCF-style: chr4-122754557-T-A.
Other names: c.1512-7A>T (NM_018190.4).
Identifiers: ClinVar variation 166737 (VCV000166737.24), dbSNP rs115987385, ClinGen allele CA179796.